The following is an entry in ClinVar:

ClinVar aggregate classification (germline): Pathogenic. Review status: criteria provided, multiple submitters, no conflicts (2 of 4 stars). 2 submissions from 2 submitters: Pathogenic (2). Last evaluated 2021-07-02.

Conditions:
Achondrogenesis type II (ACG2). Also called: ACHONDROGENESIS, LANGER-SALDINO TYPE; CHONDROGENESIS IMPERFECTA. Identifiers: Orphanet 932, Orphanet 93296, MedGen C0220685, MONDO:0008702, OMIM 200610.

Submissions (2):

Labcorp Genetics (formerly Invitae), Labcorp
Classification: Pathogenic. Last evaluated: 2021-07-02. Review status: criteria provided, single submitter. Criteria: Invitae Variant Classification Sherloc (09022015). Collection method: clinical testing. Allele origin: germline.
Comment: This sequence change affects a donor splice site in intron 35 of the COL2A1 gene. It is expected to disrupt RNA splicing. Variants that disrupt the donor or acceptor splice site typically lead to a loss of protein function (PMID: 16199547), and loss-of-function variants in COL2A1 are known to be pathogenic (PMID: 20179744). This variant is not present in population databases (ExAC no frequency). Disruption of this splice site has been observed in individuals with Stickler syndrome (PMID: 18276201; Invitae). ClinVar contains an entry for this variant (Variation ID: 932069). Algorithms developed to predict the effect of sequence changes on RNA splicing suggest that this variant may disrupt the consensus splice site. For these reasons, this variant has been classified as Pathogenic.

Centre for Mendelian Genomics, University Medical Centre Ljubljana
Classification: Pathogenic for Achondrogenesis type II. Last evaluated: 2019-03-22. Review status: criteria provided, single submitter. Criteria: ACMG Guidelines, 2015. Collection method: clinical testing. Allele origin: unknown. Affected: yes.
Comment: This variant was classified as: Pathogenic. The following ACMG criteria were applied in classifying this variant: PVS1,PS1,PM2.

Literature cited by the submitters: PubMed 16199547 (cited by Labcorp Genetics (formerly Invitae), Labcorp); PubMed 20179744 (cited by Labcorp Genetics (formerly Invitae), Labcorp); PubMed 18276201 (cited by Labcorp Genetics (formerly Invitae), Labcorp).

NM_001844.5(COL2A1):c.2355+1G>A

Gene: COL2A1 (collagen type II alpha 1 chain; minus strand). Cytogenetic location: 12q13.11.
Variant type: single nucleotide variant.
Coding change: c.2355+1G>A on transcript NM_001844.5 (MANE Select); the canonical splice donor site of the intron after coding-DNA position 2355, G replaced by A.
Molecular consequence: splice donor variant.
Genome position (GRCh38, 1-based): chr12:47,982,106, C>T on the plus strand (G>A on the coding strand, the complement: COL2A1 is on the minus strand). VCF-style: chr12-47982106-C-T. GRCh37 (hg19) VCF-style: chr12-48375889-C-T.
Other names: c.2148+1G>A (NM_033150.3).
Identifiers: ClinVar variation 932069 (VCV000932069.9), dbSNP rs1939124946, ClinGen allele CA384545605.